The following is an entry in ClinVar:

NM_001353345.2(SETD1B):c.4195A>T (p.Ser1399Cys)

Gene: SETD1B (SET domain containing 1B, histone lysine methyltransferase; plus strand). Cytogenetic location: 12q24.31.
Variant type: single nucleotide variant.
Coding change: c.4195A>T on transcript NM_001353345.2 (MANE Select); coding-DNA position 4195, A replaced by T.
Protein change: p.Ser1399Cys; replaces serine 1399 with cysteine.
Molecular consequence: missense variant.
Genome position (GRCh38, 1-based): chr12:121,822,774, A>T. VCF-style: chr12-121822774-A-T. GRCh37 (hg19) VCF-style: chr12-122260680-A-T.
Other names: short protein forms S1399C.
Identifiers: ClinVar variation 2431789 (VCV002431789.1), dbSNP rs1876627926, ClinGen allele CA386998527.
Genomic context (GRCh38, chr12:121,822,774, plus strand): 5'-GTGCCAGCCACACCAGGCGGGGAGCCCCCGCTATCAGGGGGCAGCAGTGGCCTGTCCCTG[A>T]GCTCTCCGCAAGTGCCCGGCAGCCCCTTCTCCTACCCAGCCCCGTCCCCTAGCTTGAGCA-3'
Protein context (NP_001340274.1, residues 1389-1409): LSGGSSGLSL[Ser1399Cys]SPQVPGSPFS

ClinVar aggregate classification (germline): Uncertain significance (1 of 4 stars; one submission).

Conditions:
Intellectual developmental disorder with seizures and language delay (IDDSELD). Identifiers: MedGen C5436574, MONDO:0033559, OMIM 619000.

Allele frequency attached by ClinVar (database versions not stated): gnomAD exomes 0.00001.
gnomAD v4.1: 7 of 1,516,362 alleles (0.00046%); highest among the groups gnomAD compares: Non-Finnish European, 0.00062%; no homozygotes.

Submission:

Laboratorio de Genetica e Diagnostico Molecular, Hospital Israelita Albert Einstein
Classification: Uncertain significance for Intellectual developmental disorder with seizures and language delay. Last evaluated: 2022-12-22. Review status: criteria provided, single submitter. Criteria: ACMG Guidelines, 2015. Collection method: clinical testing. Allele origin: germline. Affected: yes. Observed: 1 variant allele.
Comment: ACMG classification criteria: PM2 moderated, BP4 supporting